The following is an entry in ClinVar:

NM_001348323.3(TRIP12):c.1404T>C (p.Gly468=)

Gene: TRIP12 (thyroid hormone receptor interactor 12; minus strand). Cytogenetic location: 2q36.3.
Variant type: single nucleotide variant.
Coding change: c.1404T>C on transcript NM_001348323.3 (MANE Select); coding-DNA position 1404, T replaced by C.
Protein change: p.Gly468=; no amino-acid change (glycine 468 retained).
Molecular consequence: synonymous variant.
Genome position (GRCh38, 1-based): chr2:229,829,239, A>G on the plus strand (T>C on the coding strand, the complement: TRIP12 is on the minus strand). VCF-style: chr2-229829239-A-G. GRCh37 (hg19) VCF-style: chr2-230693955-A-G.
Other names: c.1404T>C, p.Gly468= (NM_001284214.2, NM_001348315.2, NM_001348319.1 and 11 more transcripts); c.1278T>C, p.Gly426= (NM_001284215.2, NM_001348316.2, NM_001348317.1 and 2 more transcripts); c.369T>C, p.Gly123= (NM_001284216.2); c.1317T>C, p.Gly439= (NM_001348332.1); c.1260T>C, p.Gly420= (NM_004238.3).
Identifiers: ClinVar variation 3341778 (VCV003341778.17).

ClinVar aggregate classification (germline): Likely benign. Review status: criteria provided, multiple submitters, no conflicts (2 of 4 stars). 2 submissions from 2 submitters: Likely benign (2). Last evaluated 2025-09-01.

gnomAD v4.1: 772 of 1,614,014 alleles (0.048%); highest among the groups gnomAD compares: South Asian, 0.79%; 8 homozygotes.

Submissions (2):

CeGaT Center for Human Genetics Tuebingen
Classification: Likely benign. Last evaluated: 2025-09-01. Review status: criteria provided, single submitter. Criteria: CeGaT Center For Human Genetics Tuebingen Variant Classification Criteria Version 2. Collection method: clinical testing. Allele origin: germline. Affected: yes. Observed: 2 variant alleles.
Comment: TRIP12: BP4, BS1

Blueprint Genetics
Classification: Likely benign. Last evaluated: 2024-11-13. Review status: criteria provided, single submitter. Criteria: ACMG Guidelines, 2015. Collection method: clinical testing. Allele origin: germline.